The following is an entry in ClinVar:

ClinVar aggregate classification (germline): Uncertain significance. Review status: criteria provided, multiple submitters, no conflicts (2 of 4 stars). 2 submissions from 2 submitters: Uncertain significance (2). Last evaluated 2025-09-29.

gnomAD v4.1: 126 of 1,610,292 alleles (0.0078%); highest among the groups gnomAD compares: Admixed American, 0.04%; no homozygotes.

Submissions (2):

Labcorp Genetics (formerly Invitae), Labcorp
Classification: Uncertain significance. Last evaluated: 2025-09-29. Review status: criteria provided, single submitter. Criteria: Invitae Variant Classification Sherloc (09022015). Collection method: clinical testing. Allele origin: germline.
Comment: This sequence change replaces glutamic acid, which is acidic and polar, with aspartic acid, which is acidic and polar, at codon 449 of the FGFRL1 protein (p.Glu449Asp). This variant is present in population databases (rs200350207, gnomAD 0.04%). This variant has not been reported in the literature in individuals affected with FGFRL1-related conditions. ClinVar contains an entry for this variant (Variation ID: 2050524). An algorithm developed to predict the effect of missense changes on protein structure and function outputs the following: PolyPhen-2: "Benign". The aspartic acid amino acid residue is found in multiple mammalian species, which suggests that this missense change does not adversely affect protein function. In summary, the available evidence is currently insufficient to determine the role of this variant in disease. Therefore, it has been classified as a Variant of Uncertain Significance.

Ambry Genetics
Classification: Uncertain significance. Last evaluated: 2024-01-16. Review status: criteria provided, single submitter. Criteria: Ambry Variant Classification Scheme 2023. Collection method: clinical testing. Allele origin: germline.

NM_001004356.3(FGFRL1):c.1347G>C (p.Glu449Asp)

Gene: FGFRL1 (fibroblast growth factor receptor like 1; plus strand). Cytogenetic location: 4p16.3.
Variant type: single nucleotide variant.
Coding change: c.1347G>C on transcript NM_001004356.3 (MANE Select); coding-DNA position 1347, G replaced by C.
Protein change: p.Glu449Asp; replaces glutamic acid 449 with aspartic acid.
Molecular consequence: missense variant.
Genome position (GRCh38, 1-based): chr4:1,025,179, G>C. VCF-style: chr4-1025179-G-C. GRCh37 (hg19) VCF-style: chr4-1018967-G-C.
Other names: c.1347G>C, p.Glu449Asp (NM_001004358.1, NM_001370296.1, NM_021923.3); c.1347G>C (NM_001004356.2); short protein forms E449D.
Identifiers: ClinVar variation 2050524 (VCV002050524.5), dbSNP rs200350207, ClinGen allele CA2803084.